The following is an entry in ClinVar:

ClinVar aggregate classification (germline): Uncertain significance (1 of 4 stars; one submission).

Conditions:
Hypertrophic cardiomyopathy. Also called: HYPERTROPHIC MYOCARDIOPATHY. Identifiers: Orphanet 217569, MedGen C0007194, MeSH D002312, MONDO:0005045, HP:0001639.

Submission:

All of Us Research Program, National Institutes of Health
Classification: Uncertain significance for Hypertrophic cardiomyopathy. Last evaluated: 2023-12-01. Review status: criteria provided, single submitter. Criteria: ACMG Guidelines, 2015. Collection method: clinical testing. Allele origin: germline. Inheritance: Autosomal dominant inheritance. Observed: 1 variant allele, 1 heterozygote.
Comment: This study involves interpretation of variants in research participants for the purpose of population health screening. Participant phenotype was not available at the time of variant classification. Additional details can be found in publication PMID: 35346344, PMCID: PMC8962531

NM_016203.4(PRKAG2):c.109A>C (p.Ile37Leu)

Gene: PRKAG2 (protein kinase AMP-activated non-catalytic subunit gamma 2; minus strand). Cytogenetic location: 7q36.1.
Variant type: single nucleotide variant.
Coding change: c.109A>C on transcript NM_016203.4 (MANE Select); coding-DNA position 109, A replaced by C.
Protein change: p.Ile37Leu; replaces isoleucine 37 with leucine.
Molecular consequence: missense variant.
Genome position (GRCh38, 1-based): chr7:151,876,512, T>G on the plus strand (A>C on the coding strand, the complement: PRKAG2 is on the minus strand). VCF-style: chr7-151876512-T-G. GRCh37 (hg19) VCF-style: chr7-151573597-T-G.
Other names: c.109A>C, p.Ile37Leu (NM_001407021.1, NM_001407022.1, NM_001407023.1 and 2 more transcripts); short protein forms I37L.
Identifiers: ClinVar variation 3074421 (VCV003074421.1), dbSNP rs2485879305, ClinGen allele CA370071849.